The following is an entry in ClinVar:

ClinVar aggregate classification (germline): Uncertain significance (1 of 4 stars; one submission).

Conditions:
Ullrich congenital muscular dystrophy 2 (UCMD2). Identifiers: Orphanet 75840, MedGen C4225314, MONDO:0014654, OMIM 616470.
Bethlem myopathy 2 (BTHLM2). Identifiers: Orphanet 536516, Orphanet 610, MedGen C4225313, MONDO:0034022, OMIM 616471.

Allele frequency attached by ClinVar (database versions not stated): gnomAD exomes below 0.00001.
gnomAD v4.1: 2 of 1,613,164 alleles (0.00012%); highest among the groups gnomAD compares: South Asian, 0.0011%; no homozygotes.

Submission:

Labcorp Genetics (formerly Invitae), Labcorp
Classification: Uncertain significance for Bethlem myopathy 2; Ullrich congenital muscular dystrophy 2. Last evaluated: 2025-07-01. Review status: criteria provided, single submitter. Criteria: Invitae Variant Classification Sherloc (09022015). Collection method: clinical testing. Allele origin: germline.
Comment: This sequence change replaces serine, which is neutral and polar, with asparagine, which is neutral and polar, at codon 1438 of the COL12A1 protein (p.Ser1438Asn). This variant is not present in population databases (gnomAD no frequency). This variant has not been reported in the literature in individuals affected with COL12A1-related conditions. ClinVar contains an entry for this variant (Variation ID: 656783). Invitae Evidence Modeling of protein sequence and biophysical properties (such as structural, functional, and spatial information, amino acid conservation, physicochemical variation, residue mobility, and thermodynamic stability) indicates that this missense variant is not expected to disrupt COL12A1 protein function with a negative predictive value of 80%. In summary, the available evidence is currently insufficient to determine the role of this variant in disease. Therefore, it has been classified as a Variant of Uncertain Significance.

NM_004370.6(COL12A1):c.4313G>A (p.Ser1438Asn)

Gene: COL12A1 (collagen type XII alpha 1 chain; minus strand). Cytogenetic location: 6q13.
Variant type: single nucleotide variant.
Coding change: c.4313G>A on transcript NM_004370.6 (MANE Select); coding-DNA position 4313, G replaced by A.
Protein change: p.Ser1438Asn; replaces serine 1438 with asparagine.
Molecular consequence: missense variant.
Genome position (GRCh38, 1-based): chr6:75,147,779, C>T on the plus strand (G>A on the coding strand, the complement: COL12A1 is on the minus strand). VCF-style: chr6-75147779-C-T. GRCh37 (hg19) VCF-style: chr6-75857495-C-T.
Other names: c.821G>A, p.Ser274Asn (NM_080645.3); short protein forms S274N, S1438N.
Identifiers: ClinVar variation 656783 (VCV000656783.2), dbSNP rs889393418, ClinGen allele CA141002069.
Genomic context (GRCh38, chr6:75,147,779, plus strand): 5'-ACCACAGAATACACATTGACAACATATTCAGTTTCAGGTTTCAGATCTTTCAGCACTGTG[C>T]TAGTTTCCATTCGACTCACATAAAACTAGGGGGAAAAATTAAACAGAGCAACAACGTATG-3'
Protein context (NP_004361.3, residues 1428-1448): QEFYVSRMET[Ser1438Asn]TVLKDLKPET